The following is an entry in ClinVar:

ClinVar aggregate classification (germline): Uncertain significance (1 of 4 stars; one submission).

Conditions:
Hereditary cancer-predisposing syndrome. Also called: Neoplastic Syndromes, Hereditary; Tumor predisposition; Hereditary neoplastic syndrome; Hereditary Cancer Syndrome. Identifiers: Orphanet 140162, MedGen C0027672, MeSH D009386, MONDO:0015356.

Submission:

Ambry Genetics
Classification: Uncertain significance for Hereditary cancer-predisposing syndrome. Last evaluated: 2026-07-04. Review status: criteria provided, single submitter. Criteria: Ambry Variant Classification Scheme 2023. Collection method: clinical testing. Allele origin: germline.
Comment: The p.L112M variant (also known as c.334C>A), located in coding exon 5 of the SDHC gene, results from a C to A substitution at nucleotide position 334. The leucine at codon 112 is replaced by methionine, an amino acid with highly similar properties. This amino acid position is conserved. In addition, the in silico prediction for this alteration is inconclusive. Based on the available evidence, the clinical significance of this variant remains unclear.

NM_003001.5(SDHC):c.334C>A (p.Leu112Met)

Gene: SDHC (succinate dehydrogenase complex subunit C; plus strand). Cytogenetic location: 1q23.3.
Variant type: single nucleotide variant.
Coding change: c.334C>A on transcript NM_003001.5 (MANE Select); coding-DNA position 334, C replaced by A.
Protein change: p.Leu112Met; replaces leucine 112 with methionine.
Molecular consequence: missense variant. On other transcripts: non-coding transcript variant (1), intron variant (3).
Genome position (GRCh38, 1-based): chr1:161,356,769, C>A. VCF-style: chr1-161356769-C-A. GRCh37 (hg19) VCF-style: chr1-161326559-C-A.
Other names: c.175C>A, p.Leu59Met (NM_001035513.3); c.454C>A, p.Leu152Met (NM_001407115.1); c.277C>A, p.Leu93Met (NM_001407116.1); c.271C>A, p.Leu91Met (NM_001407117.1); c.226C>A, p.Leu76Met (NM_001407118.1); c.223C>A, p.Leu75Met (NM_001407119.1, NM_001407120.1); c.242-5560C>A (NM_001035511.3); c.140-5560C>A (NM_001278172.3); and 2 more; short protein forms L75M, L152M, L59M, L78M, L91M, L93M, L112M, L76M.
Identifiers: ClinVar variation 5029299 (VCV005029299.1).
Genomic context (GRCh38, chr1:161,356,769, plus strand): 5'-CTCCCTGGGAACTTTGAGTCTTATTTGGAACTTGTGAAGTCCCTGTGTCTGGGGCCAGCA[C>A]TGATCCACACAGCTAAGTTTGCACTTGTCTTCCCTCTCATGTATCATACCTGGAATGGGA-3'
Protein context (NP_002992.1, residues 102-122): LVKSLCLGPA[Leu112Met]IHTAKFALVF